The following continues an entry in ClinVar:

NM_003672.4(CDC14A):c.309A>C (p.Ala103=)

Gene: CDC14A. ClinVar aggregate classification (germline): Benign. Benign (6).

Submissions 33 to 50 of 50:

Dr. Peter K. Rogan Lab, Western University
No classification provided (evidence only). Condition: Thymoma. Review status: no classification provided. Collection method: in vitro. Allele origin: not applicable. Functional consequence: retained intron. Not counted in ClinVar's aggregate classification.

Dr. Peter K. Rogan Lab, Western University
No classification provided (evidence only). Condition: Ovarian serous cystadenocarcinoma. Review status: no classification provided. Collection method: in vitro. Allele origin: not applicable. Functional consequence: retained intron. Not counted in ClinVar's aggregate classification.

Dr. Peter K. Rogan Lab, Western University
No classification provided (evidence only). Condition: Hepatocellular carcinoma. Review status: no classification provided. Collection method: in vitro. Allele origin: not applicable. Functional consequence: retained intron. Not counted in ClinVar's aggregate classification.

Dr. Peter K. Rogan Lab, Western University
No classification provided (evidence only). Condition: Thymoma. Review status: no classification provided. Collection method: in vitro. Allele origin: not applicable. Functional consequence: retained intron. Not counted in ClinVar's aggregate classification.

Dr. Peter K. Rogan Lab, Western University
No classification provided (evidence only). Condition: Ovarian serous cystadenocarcinoma. Review status: no classification provided. Collection method: in vitro. Allele origin: not applicable. Functional consequence: retained intron. Not counted in ClinVar's aggregate classification.

Dr. Peter K. Rogan Lab, Western University
No classification provided (evidence only). Condition: Gastric cancer. Review status: no classification provided. Collection method: in vitro. Allele origin: not applicable. Functional consequence: retained intron. Not counted in ClinVar's aggregate classification.

Dr. Peter K. Rogan Lab, Western University
No classification provided (evidence only). Condition: Gastric cancer. Review status: no classification provided. Collection method: in vitro. Allele origin: not applicable. Functional consequence: retained intron. Not counted in ClinVar's aggregate classification.

Dr. Peter K. Rogan Lab, Western University
No classification provided (evidence only). Condition: Uterine carcinosarcoma. Review status: no classification provided. Collection method: in vitro. Allele origin: not applicable. Functional consequence: retained intron. Not counted in ClinVar's aggregate classification.

Dr. Peter K. Rogan Lab, Western University
No classification provided (evidence only). Condition: Ovarian serous cystadenocarcinoma. Review status: no classification provided. Collection method: in vitro. Allele origin: not applicable. Functional consequence: retained intron. Not counted in ClinVar's aggregate classification.

Dr. Peter K. Rogan Lab, Western University
No classification provided (evidence only). Condition: Gastric cancer. Review status: no classification provided. Collection method: in vitro. Allele origin: not applicable. Functional consequence: retained intron. Not counted in ClinVar's aggregate classification.

Dr. Peter K. Rogan Lab, Western University
No classification provided (evidence only). Condition: Uterine carcinosarcoma. Review status: no classification provided. Collection method: in vitro. Allele origin: not applicable. Functional consequence: retained intron. Not counted in ClinVar's aggregate classification.

Dr. Peter K. Rogan Lab, Western University
No classification provided (evidence only). Condition: Gastric cancer. Review status: no classification provided. Collection method: in vitro. Allele origin: not applicable. Functional consequence: retained intron. Not counted in ClinVar's aggregate classification.

Dr. Peter K. Rogan Lab, Western University
No classification provided (evidence only). Condition: Gastric cancer. Review status: no classification provided. Collection method: in vitro. Allele origin: not applicable. Functional consequence: retained intron. Not counted in ClinVar's aggregate classification.

Dr. Peter K. Rogan Lab, Western University
No classification provided (evidence only). Condition: Malignant tumor of esophagus. Review status: no classification provided. Collection method: in vitro. Allele origin: not applicable. Functional consequence: retained intron. Not counted in ClinVar's aggregate classification.

Dr. Peter K. Rogan Lab, Western University
No classification provided (evidence only). Condition: Malignant tumor of esophagus. Review status: no classification provided. Collection method: in vitro. Allele origin: not applicable. Functional consequence: retained intron. Not counted in ClinVar's aggregate classification.

Dr. Peter K. Rogan Lab, Western University
No classification provided (evidence only). Condition: Malignant tumor of esophagus. Review status: no classification provided. Collection method: in vitro. Allele origin: not applicable. Functional consequence: retained intron. Not counted in ClinVar's aggregate classification.

Dr. Peter K. Rogan Lab, Western University
No classification provided (evidence only). Condition: Malignant tumor of esophagus. Review status: no classification provided. Collection method: in vitro. Allele origin: not applicable. Functional consequence: retained intron. Not counted in ClinVar's aggregate classification.

Dr. Peter K. Rogan Lab, Western University
No classification provided (evidence only). Condition: Malignant tumor of esophagus. Review status: no classification provided. Collection method: in vitro. Allele origin: not applicable. Functional consequence: retained intron. Not counted in ClinVar's aggregate classification.